The following is an entry in ClinVar:

NM_001281740.3(FHOD3):c.3637G>A (p.Ala1213Thr)

Gene: FHOD3 (formin homology 2 domain containing 3; plus strand). Cytogenetic location: 18q12.2.
Variant type: single nucleotide variant.
Coding change: c.3637G>A on transcript NM_001281740.3 (MANE Select); coding-DNA position 3637, G replaced by A.
Protein change: p.Ala1213Thr; replaces alanine 1213 with threonine.
Molecular consequence: missense variant.
Genome position (GRCh38, 1-based): chr18:36,740,716, G>A. VCF-style: chr18-36740716-G-A. GRCh37 (hg19) VCF-style: chr18-34320679-G-A.
Other names: c.3061G>A, p.Ala1021Thr (NM_001281739.3); c.3112G>A, p.Ala1038Thr (NM_025135.5); short protein forms A1021T, A1038T, A1213T.
Identifiers: ClinVar variation 3353358 (VCV003353358.2), dbSNP rs201152499.

ClinVar aggregate classification (germline): Uncertain significance. Review status: criteria provided, single submitter (1 of 4 stars). 2 submissions from 2 submitters: Uncertain significance (1). 1 of the submissions does not count toward it. Last evaluated 2025-04-09.

Conditions:
Cardiovascular phenotype. Identifiers: MedGen CN230736.
FHOD3-related disorder. Also called: FHOD3-related condition.

gnomAD v4.1: 52 of 1,613,828 alleles (0.0032%); highest among the groups gnomAD compares: Admixed American, 0.01%; 1 homozygote.

Submissions (2):

Molecular Diagnostic Laboratory for Inherited Cardiovascular Disease, Montreal Heart Institute
Classification: Uncertain significance for Cardiovascular phenotype. Last evaluated: 2025-04-09. Review status: criteria provided, single submitter. Criteria: ACMG Guidelines, 2015. Collection method: clinical testing. Allele origin: germline. Affected: yes.
Comment: PM2

PreventionGenetics, part of Exact Sciences
Classification: Uncertain significance for FHOD3-related condition. Last evaluated: 2024-03-27. Review status: no assertion criteria provided. Collection method: clinical testing. Allele origin: germline. Not counted in ClinVar's aggregate classification.
Comment: The FHOD3 c.3637G>A variant is predicted to result in the amino acid substitution p.Ala1213Thr. To our knowledge, this variant has not been reported in the literature. This variant is reported in 0.0085% of alleles in individuals of Latino descent in gnomAD. At this time, the clinical significance of this variant is uncertain due to the absence of conclusive functional and genetic evidence.